The following is an entry in ClinVar:

NM_000428.3(LTBP2):c.3638del (p.Gly1213fs)

Gene: LTBP2 (latent transforming growth factor beta binding protein 2; minus strand). Cytogenetic location: 14q24.3.
Variant type: Deletion.
Coding change: c.3638del on transcript NM_000428.3 (MANE Select); coding-DNA position 3638, one base deleted (G; older notation c.3638delG).
Protein change: p.Gly1213fs; shifts the reading frame from glycine 1213.
Molecular consequence: frameshift variant.
Genome position (GRCh38, 1-based): chr14:74,508,618, C deleted on the plus strand (G on the coding strand, the reverse complement: LTBP2 is on the minus strand); the first of 6 consecutive C bases (chr14:74,508,618-74,508,623); deleting any one gives the same sequence. VCF-style (leftmost placement, unchanged base first): chr14-74508617-GC-G. GRCh37 (hg19) VCF-style: chr14-74975320-GC-G.
Other names: short protein forms G1213fs.
Identifiers: ClinVar variation 2746011 (VCV002746011.3), dbSNP rs924495842, ClinGen allele CA263583823.
Genomic context (GRCh38, chr14:74,508,617, plus strand): 5'-GCTTCCCATGCTCCTGGCCAGTAGAGGTAGCTGTGCTGGCTTCTCACCCTGGCAGCTGGT[GC>G]CCCCCTCTGCGCTGACGAAGCCAGGCGCGCACAGACAGAAGAAAGACCCGTGGCTGTTGA-3'

ClinVar aggregate classification (germline): Pathogenic (1 of 4 stars; one submission).

Submission:

Labcorp Genetics (formerly Invitae), Labcorp
Classification: Pathogenic. Last evaluated: 2023-10-23. Review status: criteria provided, single submitter. Criteria: Invitae Variant Classification Sherloc (09022015). Collection method: clinical testing. Allele origin: germline.
Comment: This sequence change creates a premature translational stop signal (p.Gly1213Alafs*92) in the LTBP2 gene. It is expected to result in an absent or disrupted protein product. Loss-of-function variants in LTBP2 are known to be pathogenic (PMID: 19361779, 19656777, 22025892). This variant is not present in population databases (gnomAD no frequency). This variant has not been reported in the literature in individuals affected with LTBP2-related conditions. For these reasons, this variant has been classified as Pathogenic.

Literature cited by the submitters: PubMed 19361779; PubMed 19656777; PubMed 22025892.